The following is an entry in ClinVar:

NM_005909.5(MAP1B):c.2484C>T (p.Ser828=)

Gene: MAP1B (microtubule associated protein 1B; plus strand). Cytogenetic location: 5q13.2.
Variant type: single nucleotide variant.
Coding change: c.2484C>T on transcript NM_005909.5 (MANE Select); coding-DNA position 2484, C replaced by T.
Protein change: p.Ser828=; no amino-acid change (serine 828 retained).
Molecular consequence: synonymous variant.
Genome position (GRCh38, 1-based): chr5:72,195,839, C>T. VCF-style: chr5-72195839-C-T. GRCh37 (hg19) VCF-style: chr5-71491666-C-T.
Other names: c.2106C>T, p.Ser702= (NM_001324255.2).
Identifiers: ClinVar variation 728148 (VCV000728148.5), dbSNP rs141590006, ClinGen allele CA3298833.
Genomic context (GRCh38, chr5:72,195,839, plus strand): 5'-CATGGCGGCAGCTGGAATAGCAGCCATTGGCCCTGCCAAAGAACTCGAAGCTGAGAGGTC[C>T]CTTATGTCATCTCCTGAGGATCTAACCAAGGACTTTGAAGAGTTAAAGGCTGAAGAGGTC-3'
Protein context (NP_005900.2, residues 818-838): GPAKELEAER[Ser828=]LMSSPEDLTK

ClinVar aggregate classification (germline): Likely benign. Review status: criteria provided, single submitter (1 of 4 stars). 2 submissions from 2 submitters: Likely benign (1). 1 of the submissions does not count toward it. Last evaluated 2018-09-27.

Conditions:
MAP1B-related disorder. Also called: MAP1B-related condition.

Allele frequency attached by ClinVar (database versions not stated): gnomAD exomes 0.00008 and 0.00016; ExAC 0.00021; gnomAD 0.00050 and 0.00051; TOPMed 0.00059; ESP Exome Variant Server 0.00062; 1000 Genomes Project 0.00120; 1000 Genomes Project 30x 0.00141.
gnomAD v4.1: 190 of 1,614,218 alleles (0.012%); highest among the groups gnomAD compares: African/African-American, 0.21%; 1 homozygote.

Submissions (2):

Labcorp Genetics (formerly Invitae), Labcorp
Classification: Likely benign. Last evaluated: 2018-09-27. Review status: criteria provided, single submitter. Criteria: Invitae Variant Classification Sherloc (09022015). Collection method: clinical testing. Allele origin: germline.

PreventionGenetics, part of Exact Sciences
Classification: Likely benign for MAP1B-related condition. Last evaluated: 2019-02-21. Review status: no assertion criteria provided. Collection method: clinical testing. Allele origin: germline. Not counted in ClinVar's aggregate classification.
Comment: This variant is classified as likely benign based on ACMG/AMP sequence variant interpretation guidelines (Richards et al. 2015 PMID: 25741868, with internal and published modifications).